The following is an entry in ClinVar:

NM_001080467.3(MYO5B):c.2114A>G (p.Asn705Ser)

Gene: MYO5B (myosin VB; minus strand). Cytogenetic location: 18q21.1.
Variant type: single nucleotide variant.
Coding change: c.2114A>G on transcript NM_001080467.3 (MANE Select); coding-DNA position 2114, A replaced by G.
Protein change: p.Asn705Ser; replaces asparagine 705 with serine.
Molecular consequence: missense variant.
Genome position (GRCh38, 1-based): chr18:49,912,150, T>C on the plus strand (A>G on the coding strand, the complement: MYO5B is on the minus strand). VCF-style: chr18-49912150-T-C. GRCh37 (hg19) VCF-style: chr18-47438520-T-C.
Other names: short protein forms N705S.
Identifiers: ClinVar variation 2180661 (VCV002180661.4), dbSNP rs376384329, ClinGen allele CA299982172.

ClinVar aggregate classification (germline): Uncertain significance (1 of 4 stars; one submission).

gnomAD v4.1: 11 of 1,613,800 alleles (0.00068%); highest among the groups gnomAD compares: African/African-American, 0.0067%; no homozygotes.

Submission:

Labcorp Genetics (formerly Invitae), Labcorp
Classification: Uncertain significance. Last evaluated: 2022-11-22. Review status: criteria provided, single submitter. Criteria: Invitae Variant Classification Sherloc (09022015). Collection method: clinical testing. Allele origin: germline.
Comment: In summary, the available evidence is currently insufficient to determine the role of this variant in disease. Therefore, it has been classified as a Variant of Uncertain Significance. Advanced modeling of protein sequence and biophysical properties (such as structural, functional, and spatial information, amino acid conservation, physicochemical variation, residue mobility, and thermodynamic stability) performed at Invitae indicates that this missense variant is not expected to disrupt MYO5B protein function. This variant has not been reported in the literature in individuals affected with MYO5B-related conditions. This variant is present in population databases (rs376384329, gnomAD 0.008%). This sequence change replaces asparagine, which is neutral and polar, with serine, which is neutral and polar, at codon 705 of the MYO5B protein (p.Asn705Ser).